The following is an entry in ClinVar:

ClinVar aggregate classification (germline): Uncertain significance (1 of 4 stars; one submission).

gnomAD v4.1: 1 of 1,588,574 alleles (0.000063%); highest among the groups gnomAD compares: Non-Finnish European, 0.000086%; no homozygotes.

Submission:

Mayo Clinic Laboratories, Mayo Clinic
Classification: Uncertain significance. Last evaluated: 2025-02-04. Review status: criteria provided, single submitter. Criteria: ACMG Guidelines, 2015. Collection method: clinical testing. Allele origin: germline. Observed: 1 variant allele.
Comment: BP4, PM2_supporting

NM_030787.4(CFHR5):c.1522G>A (p.Val508Met)

Gene: CFHR5 (complement factor H related 5; plus strand). Cytogenetic location: 1q31.3.
Variant type: single nucleotide variant.
Coding change: c.1522G>A on transcript NM_030787.4 (MANE Select); coding-DNA position 1522, G replaced by A.
Protein change: p.Val508Met; replaces valine 508 with methionine.
Molecular consequence: missense variant.
Genome position (GRCh38, 1-based): chr1:197,008,495, G>A. VCF-style: chr1-197008495-G-A. GRCh37 (hg19) VCF-style: chr1-196977625-G-A.
Other names: p.Val508Met; short protein forms V508M.
Identifiers: ClinVar variation 4542125 (VCV004542125.1).